The following is an entry in ClinVar:

ClinVar aggregate classification (germline): Uncertain significance (1 of 4 stars; one submission).

Conditions:
Hereditary cancer-predisposing syndrome. Also called: Tumor predisposition; Neoplastic Syndromes, Hereditary; Hereditary Cancer Syndrome; Hereditary neoplastic syndrome. Identifiers: Orphanet 140162, MedGen C0027672, MeSH D009386, MONDO:0015356.

Submission:

Ambry Genetics
Classification: Uncertain significance for Hereditary cancer-predisposing syndrome. Last evaluated: 2021-06-30. Review status: criteria provided, single submitter. Criteria: Ambry Variant Classification Scheme 2023. Collection method: clinical testing. Allele origin: germline.
Comment: The c.3184_3186delTATinsATA (p.Y1062I) variant, located in coding exon 19 of the RET gene, results from an in-frame deletion of TAT and insertion of ATA at nucleotide positions 3184 to 3186. This results in the substitution of the tyrosine residue for an isoleucine residue at codon 1062, an amino acid with highly similar properties. This amino acid position is highly conserved in available vertebrate species. This variant is considered to be rare based on population cohorts in the Genome Aggregation Database (gnomAD). In addition, the in silico prediction for this alteration is inconclusive (Choi Y et al. PLoS ONE. 2012; 7(10):e46688). Since supporting evidence is limited at this time, the clinical significance of this alteration remains unclear.

NM_020975.6(RET):c.3184_3186inv (p.Tyr1062Ile)

Gene: RET (ret proto-oncogene; plus strand). Cytogenetic location: 10q11.21.
Variant type: Inversion.
Coding change: c.3184_3186inv on transcript NM_020975.6 (MANE Select).
Protein change: p.Tyr1062Ile; replaces tyrosine 1062 with isoleucine.
Molecular consequence: missense variant.
Genome position: GRCh38 VCF-style: chr10-43126719-TAT-ATA. GRCh37 (hg19) VCF-style: chr10-43622167-TAT-ATA.
Other names: c.3184_3186invTAT, p.Tyr1062Ile (NM_000323.2, NM_001406743.1, NM_001406744.1 and 2 more transcripts); c.2422_2424invTAT, p.Tyr808Ile (NM_001355216.2); c.3055_3057invTAT, p.Tyr1019Ile (NM_001406761.1, NM_001406762.1, NM_001406764.1); c.3049_3051invTAT, p.Tyr1017Ile (NM_001406763.1, NM_001406765.1); c.2896_2898invTAT, p.Tyr966Ile (NM_001406766.1, NM_001406767.1, NM_001406770.1); c.2920_2922invTAT, p.Tyr974Ile (NM_001406768.1); c.2788_2790invTAT, p.Tyr930Ile (NM_001406769.1, NM_001406772.1); c.2746_2748invTAT, p.Tyr916Ile (NM_001406771.1, NM_001406773.1); and 11 more; short protein forms Y1019I, Y1062I, Y579I, Y667I, Y763I, Y966I, Y627I, Y723I.
Identifiers: ClinVar variation 1728568 (VCV001728568.2), ClinGen allele CA2580081497.
Genomic context (GRCh38, chr10:43,126,719, plus strand): 5'-GACTGTAATAATGCCCCCCTCCCTCGAGCCCTCCCTTCCACATGGATTGAAAACAAACTC[TAT>ATA]GGTAGAATTTCCCATGCATTTACTAGATTCTAGCACCGCTGTCCCCTTTGCACTATCCTT-3'
Protein context (NP_066124.1, residues 1052-1072): LPSTWIENKL[Tyr1062Ile]GMSDPNWPGE